The following is an entry in ClinVar:

ClinVar aggregate classification (germline): Likely benign (1 of 4 stars; one submission).

Submission:

CeGaT Center for Human Genetics Tuebingen
Classification: Likely benign. Last evaluated: 2026-05-01. Review status: criteria provided, single submitter. Criteria: CeGaT Center For Human Genetics Tuebingen Variant Classification Criteria Version 2. Collection method: clinical testing. Allele origin: germline. Affected: yes. Observed: 1 variant allele.
Comment: DCHS1: PM2:Supporting, BP4, BP7

NM_003737.4(DCHS1):c.7389A>T (p.Ala2463=)

Gene: DCHS1 (dachsous cadherin-related 1; minus strand). Cytogenetic location: 11p15.4.
Variant type: single nucleotide variant.
Coding change: c.7389A>T on transcript NM_003737.4 (MANE Select); coding-DNA position 7389, A replaced by T.
Protein change: p.Ala2463=; no amino-acid change (alanine 2463 retained).
Molecular consequence: synonymous variant.
Genome position (GRCh38, 1-based): chr11:6,624,287, T>A on the plus strand (A>T on the coding strand, the complement: DCHS1 is on the minus strand). VCF-style: chr11-6624287-T-A. GRCh37 (hg19) VCF-style: chr11-6645518-T-A.
Identifiers: ClinVar variation 4874156 (VCV004874156.2).
Genomic context (GRCh38, chr11:6,624,287, plus strand): 5'-TGTGAAGCTCGGGGCGTGGTCGTTCTGGTCCTGCAGCTGCACGTGCACTGTGGCTCGTGC[T>A]GCCCGGCCTGGAGCCCCGTGGTCTCGTGCTTCCAGCACCACATCCACTGCTCCTGACCCG-3'
Protein context (NP_003728.1, residues 2453-2473): EARDHGAPGR[Ala2463=]ARATVHVQLQ